The following is an entry in ClinVar:

ClinVar aggregate classification (germline): Uncertain significance. Review status: criteria provided, multiple submitters, no conflicts (2 of 4 stars). 2 submissions from 2 submitters: Uncertain significance (2). Last evaluated 2025-12-15.

Conditions:
Long QT syndrome (LQTS). Identifiers: MedGen C0023976, MeSH D008133, MONDO:0002442. Disease mechanism: loss of function. Inheritance: Various modes of inheritance.

Allele frequency attached by ClinVar (database versions not stated): gnomAD 0.00001; gnomAD exomes below 0.00001.
gnomAD v4.1: 2 of 1,607,212 alleles (0.00012%); highest among the groups gnomAD compares: African/African-American, 0.0027%; no homozygotes.

Submissions (2):

Labcorp Genetics (formerly Invitae), Labcorp
Classification: Uncertain significance for Long QT syndrome. Last evaluated: 2025-12-15. Review status: criteria provided, single submitter. Criteria: Invitae Variant Classification Sherloc (09022015). Collection method: clinical testing. Allele origin: germline.
Comment: This sequence change replaces alanine, which is neutral and non-polar, with valine, which is neutral and non-polar, at codon 68 of the CACNA1C protein (p.Ala68Val). This variant is not present in population databases (gnomAD no frequency). This variant has not been reported in the literature in individuals affected with CACNA1C-related conditions. ClinVar contains an entry for this variant (Variation ID: 2725002). Invitae Evidence Modeling of protein sequence and biophysical properties (such as structural, functional, and spatial information, amino acid conservation, physicochemical variation, residue mobility, and thermodynamic stability) indicates that this missense variant is not expected to disrupt CACNA1C protein function with a negative predictive value of 95%. In summary, the available evidence is currently insufficient to determine the role of this variant in disease. Therefore, it has been classified as a Variant of Uncertain Significance.

Dasa
Classification: Uncertain significance. Last evaluated: 2025-01-08. Review status: criteria provided, single submitter. Criteria: DASA Assertion Criteria. Collection method: clinical testing. Allele origin: germline.
Comment: NM_000719.7(CACNA1C):c.203C>T (p.Ala68Val) is a missense variant that results in the substitution of alanine with valine. This variant is rare in population databases. Computational prediction algorithms are consistent with a benign effect. The currently available literature and clinical evidence are not sufficient to establish a definitive association between this variant and the reported condition. Therefore, this variant is classified as a variant of uncertain significance.

NM_000719.7(CACNA1C):c.203C>T (p.Ala68Val)

Gene: CACNA1C (calcium voltage-gated channel subunit alpha1 C; plus strand). Cytogenetic location: 12p13.33.
Variant type: single nucleotide variant.
Coding change: c.203C>T on transcript NM_000719.7 (MANE Select); coding-DNA position 203, C replaced by T.
Protein change: p.Ala68Val; replaces alanine 68 with valine.
Molecular consequence: missense variant.
Genome position (GRCh38, 1-based): chr12:2,115,377, C>T. VCF-style: chr12-2115377-C-T. GRCh37 (hg19) VCF-style: chr12-2224543-C-T.
Other names: c.203C>T, p.Ala68Val (NM_001129827.2, NM_001129829.2, NM_001129830.3 and 19 more transcripts); short protein forms A68V.
Identifiers: ClinVar variation 2725002 (VCV002725002.5), dbSNP rs2083421942, ClinGen allele CA383653148.
Genomic context (GRCh38, chr12:2,115,377, plus strand): 5'-CTGCCCTGTCGTGGCAGGCGGCCATCGACGCAGCCCGGCAGGCTAAGCTGATGGGCAGCG[C>T]TGGCAATGCGACCATCTCCACAGTCAGCTCCACGCAGCGGAAGCGGCAGCAATATGGGAA-3'
Protein context (NP_000710.5, residues 58-78): AARQAKLMGS[Ala68Val]GNATISTVSS